The following is an entry in ClinVar:

ClinVar aggregate classification (germline): Uncertain significance (1 of 4 stars; one submission).

Allele frequency attached by ClinVar (database versions not stated): ESP Exome Variant Server 0.00008.

Submission:

Labcorp Genetics (formerly Invitae), Labcorp
Classification: Uncertain significance. Last evaluated: 2022-06-13. Review status: criteria provided, single submitter. Criteria: Invitae Variant Classification Sherloc (09022015). Collection method: clinical testing. Allele origin: germline.
Comment: This sequence change replaces arginine, which is basic and polar, with tryptophan, which is neutral and slightly polar, at codon 1174 of the INPPL1 protein (p.Arg1174Trp). In summary, the available evidence is currently insufficient to determine the role of this variant in disease. Therefore, it has been classified as a Variant of Uncertain Significance. Algorithms developed to predict the effect of missense changes on protein structure and function are either unavailable or do not agree on the potential impact of this missense change (SIFT: "Deleterious"; PolyPhen-2: "Possibly Damaging"; Align-GVGD: "Class C0"). This variant has not been reported in the literature in individuals affected with INPPL1-related conditions. The frequency data for this variant in the population databases is considered unreliable, as metrics indicate poor data quality at this position in the gnomAD database.

NM_001567.4(INPPL1):c.3520C>T (p.Arg1174Trp)

Gene: INPPL1 (inositol polyphosphate phosphatase like 1; plus strand). Cytogenetic location: 11q13.4.
Variant type: single nucleotide variant.
Coding change: c.3520C>T on transcript NM_001567.4 (MANE Select); coding-DNA position 3520, C replaced by T.
Protein change: p.Arg1174Trp; replaces arginine 1174 with tryptophan.
Molecular consequence: missense variant.
Genome position (GRCh38, 1-based): chr11:72,237,764, C>T. VCF-style: chr11-72237764-C-T. GRCh37 (hg19) VCF-style: chr11-71948808-C-T.
Other names: short protein forms R1174W.
Identifiers: ClinVar variation 1986603 (VCV001986603.2), dbSNP rs150912074, ClinGen allele CA6170662.